The following is an entry in ClinVar:

NM_002878.4(RAD51D):c.668-20dup

Genes: RAD51D (RAD51 paralog D; minus strand), RAD51L3-RFFL (RAD51L3-RFFL readthrough; minus strand). Cytogenetic location: 17q12.
Variant type: Duplication.
Coding change: c.668-20dup on transcript NM_002878.4 (MANE Select); 20 bases into the intron before coding-DNA position 668, one base duplicated (T; older notation c.668-20dupT).
Molecular consequence: intron variant.
Genome position (GRCh38, 1-based): chr17:35,103,344, A duplicated on the plus strand (T on the coding strand, the reverse complement: RAD51D is on the minus strand). VCF-style (leftmost placement, unchanged base first): chr17-35103343-C-CA. GRCh37 (hg19) VCF-style: chr17-33430362-C-CA.
Other names: c.332-20dup (NM_133629.3); c.728-20dup (NM_001142571.2).
Identifiers: ClinVar variation 1620520 (VCV001620520.9), dbSNP rs2142419061, ClinGen allele CA2573153491.

ClinVar aggregate classification (germline): Benign/Likely benign. Review status: criteria provided, multiple submitters, no conflicts (2 of 4 stars). 2 submissions from 2 submitters: Benign (1); Likely benign (1). Last evaluated 2025-02-24.

Conditions:
Breast-ovarian cancer, familial, susceptibility to, 4. Identifiers: Orphanet 145, MedGen C3280345, MONDO:0013669, OMIM 614291.

Submissions (2):

Myriad Genetics, Inc.
Classification: Benign for Breast-ovarian cancer, familial, susceptibility to, 4. Last evaluated: 2025-02-24. Review status: criteria provided, single submitter. Criteria: Myriad Autosomal Dominant, Autosomal Recessive and X-Linked Classification Criteria (2023). Collection method: clinical testing. Allele origin: unknown.
Comment: This variant is considered benign. This variant is intronic and is not expected to impact mRNA splicing.

Labcorp Genetics (formerly Invitae), Labcorp
Classification: Likely benign for Breast-ovarian cancer, familial, susceptibility to, 4. Last evaluated: 2021-12-08. Review status: criteria provided, single submitter. Criteria: Invitae Variant Classification Sherloc (09022015). Collection method: clinical testing. Allele origin: germline.